The following is an entry in ClinVar:

NM_000256.3(MYBPC3):c.1243A>G (p.Ile415Val)

Gene: MYBPC3 (myosin binding protein C3; minus strand). Cytogenetic location: 11p11.2.
Variant type: single nucleotide variant.
Coding change: c.1243A>G on transcript NM_000256.3 (MANE Select); coding-DNA position 1243, A replaced by G.
Protein change: p.Ile415Val; replaces isoleucine 415 with valine.
Molecular consequence: missense variant.
Genome position (GRCh38, 1-based): chr11:47,343,129, T>C on the plus strand (A>G on the coding strand, the complement: MYBPC3 is on the minus strand). VCF-style: chr11-47343129-T-C. GRCh37 (hg19) VCF-style: chr11-47364680-T-C.
Other names: short protein forms I415V.
Identifiers: ClinVar variation 1171952 (VCV001171952.6), dbSNP rs1269517446, ClinGen allele CA380327677.

ClinVar aggregate classification (germline): Conflicting classifications of pathogenicity. Review status: criteria provided, conflicting classifications (1 of 4 stars). 3 submissions from 3 submitters: Uncertain significance (1); Likely benign (2). Last evaluated 2025-10-27.

Conditions:
Cardiovascular phenotype. Identifiers: MedGen CN230736.
Cardiomyopathy (CMYO). Also called: Cardiomyopathies. Identifiers: Orphanet 167848, MedGen C0878544, MONDO:0004994, HP:0001638. Inheritance: Various modes of inheritance.
Hypertrophic cardiomyopathy. Also called: HYPERTROPHIC MYOCARDIOPATHY. Identifiers: Orphanet 217569, MedGen C0007194, MeSH D002312, MONDO:0005045, HP:0001639.

gnomAD v4.1: 1 of 1,611,734 alleles (0.000062%); highest among the groups gnomAD compares: Non-Finnish European, 0.000085%; no homozygotes.

Submissions (3):

Labcorp Genetics (formerly Invitae), Labcorp
Classification: Uncertain significance for Hypertrophic cardiomyopathy. Last evaluated: 2025-10-27. Review status: criteria provided, single submitter. Criteria: Invitae Variant Classification Sherloc (09022015). Collection method: clinical testing. Allele origin: germline.
Comment: This sequence change replaces isoleucine, which is neutral and non-polar, with valine, which is neutral and non-polar, at codon 415 of the MYBPC3 protein (p.Ile415Val). This variant is not present in population databases (gnomAD no frequency). This variant has not been reported in the literature in individuals affected with MYBPC3-related conditions. ClinVar contains an entry for this variant (Variation ID: 1171952). An algorithm developed to predict the effect of missense changes on protein structure and function outputs the following: PolyPhen-2: "Benign". The valine amino acid residue is found in multiple mammalian species, which suggests that this missense change does not adversely affect protein function. In summary, the available evidence is currently insufficient to determine the role of this variant in disease. Therefore, it has been classified as a Variant of Uncertain Significance.

Color Diagnostics, LLC DBA Color Health
Classification: Likely benign for Cardiomyopathy. Last evaluated: 2024-09-03. Review status: criteria provided, single submitter. Criteria: ACMG Guidelines, 2015. Collection method: clinical testing. Allele origin: germline.

Ambry Genetics
Classification: Likely benign for Cardiovascular phenotype. Last evaluated: 2023-08-02. Review status: criteria provided, single submitter. Criteria: Ambry Variant Classification Scheme 2023. Collection method: clinical testing. Allele origin: germline.